The following is an entry in ClinVar:

NM_004586.3(RPS6KA3):c.376A>C (p.Asn126His)

Gene: RPS6KA3 (ribosomal protein S6 kinase A3; minus strand). Cytogenetic location: Xp22.12.
Variant type: single nucleotide variant.
Coding change: c.376A>C on transcript NM_004586.3 (MANE Select); coding-DNA position 376, A replaced by C.
Protein change: p.Asn126His; replaces asparagine 126 with histidine.
Molecular consequence: missense variant.
Genome position (GRCh38, 1-based): chrX:20,195,095, T>G on the plus strand (A>C on the coding strand, the complement: RPS6KA3 is on the minus strand). VCF-style: chrX-20195095-T-G. GRCh37 (hg19) VCF-style: chrX-20213213-T-G.
Other names: short protein forms N126H.
Identifiers: ClinVar variation 3347977 (VCV003347977.1).

ClinVar aggregate classification (germline): Uncertain significance (0 of 4 stars; one submission).

Conditions:
RPS6KA3-related disorder. Also called: RPS6KA3-related condition.

Submission:

PreventionGenetics, part of Exact Sciences
Classification: Uncertain significance for RPS6KA3-related condition. Last evaluated: 2024-02-09. Review status: no assertion criteria provided. Collection method: clinical testing. Allele origin: germline.
Comment: The RPS6KA3 c.376A>C variant is predicted to result in the amino acid substitution p.Asn126His. To our knowledge, this variant has not been reported in the literature or in a large population database, indicating this variant is rare. At this time, the clinical significance of this variant is uncertain due to the absence of conclusive functional and genetic evidence.